The following is an entry in ClinVar:

NM_005502.4(ABCA1):c.845G>A (p.Arg282Gln)

Gene: ABCA1 (ATP binding cassette subfamily A member 1; minus strand). Cytogenetic location: 9q31.1.
Variant type: single nucleotide variant.
Coding change: c.845G>A on transcript NM_005502.4 (MANE Select); coding-DNA position 845, G replaced by A.
Protein change: p.Arg282Gln; replaces arginine 282 with glutamine.
Molecular consequence: missense variant.
Genome position (GRCh38, 1-based): chr9:104,840,488, C>T on the plus strand (G>A on the coding strand, the complement: ABCA1 is on the minus strand). VCF-style: chr9-104840488-C-T. GRCh37 (hg19) VCF-style: chr9-107602769-C-T.
Other names: short protein forms R282Q.
Identifiers: ClinVar variation 2735315 (VCV002735315.1), dbSNP rs777890632, ClinGen allele CA5169179.
Genomic context (GRCh38, chr9:104,840,488, plus strand): 5'-TGGTAGATTTGGGTGGAGGAGCTGGAGCTGTTCACATTGGTCAGAAACATCACCTCCTGT[C>T]GCATGTCACTCCAGCTTCTCATGCTGAACAGCTGGCGTCAGGGATGGGGACAGAAAGGAG-3'
Protein context (NP_005493.2, residues 272-292): LFSMRSWSDM[Arg282Gln]QEVMFLTNVN

ClinVar aggregate classification (germline): Uncertain significance (1 of 4 stars; one submission).

Allele frequency attached by ClinVar (database versions not stated): ExAC 0.00001; gnomAD exomes 0.00001; gnomAD 0.00002; TOPMed 0.00002.
gnomAD v4.1: 16 of 1,613,814 alleles (0.00099%); highest among the groups gnomAD compares: African/African-American, 0.0053%; no homozygotes.

Submission:

Labcorp Genetics (formerly Invitae), Labcorp
Classification: Uncertain significance. Last evaluated: 2024-01-26. Review status: criteria provided, single submitter. Criteria: Invitae Variant Classification Sherloc (09022015). Collection method: clinical testing. Allele origin: germline.
Comment: This sequence change replaces arginine, which is basic and polar, with glutamine, which is neutral and polar, at codon 282 of the ABCA1 protein (p.Arg282Gln). This variant is present in population databases (rs777890632, gnomAD 0.01%). This missense change has been observed in individual(s) with high density lipoprotein cholesterol level (PMID: 20800056). Advanced modeling of protein sequence and biophysical properties (such as structural, functional, and spatial information, amino acid conservation, physicochemical variation, residue mobility, and thermodynamic stability) performed at Invitae indicates that this missense variant is not expected to disrupt ABCA1 protein function with a negative predictive value of 80%. In summary, the available evidence is currently insufficient to determine the role of this variant in disease. Therefore, it has been classified as a Variant of Uncertain Significance.

Literature cited by the submitters: PubMed 20800056.